The following is an entry in ClinVar:

ClinVar aggregate classification (germline): Uncertain significance (1 of 4 stars; one submission).

Conditions:
Combined oxidative phosphorylation defect type 14. Also called: Combined oxidative phosphorylation deficiency 14. Identifiers: Orphanet 319519, MedGen C4755312, MONDO:0013986, OMIM 614946.

Allele frequency attached by ClinVar (database versions not stated): gnomAD exomes below 0.00001 and 0.00001; ExAC 0.00001.
gnomAD v4.1: 4 of 1,608,060 alleles (0.00025%); highest among the groups gnomAD compares: Admixed American, 0.0067%; no homozygotes.

Submission:

Labcorp Genetics (formerly Invitae), Labcorp
Classification: Uncertain significance for Combined oxidative phosphorylation defect type 14. Last evaluated: 2019-02-04. Review status: criteria provided, single submitter. Criteria: Invitae Variant Classification Sherloc (09022015). Collection method: clinical testing. Allele origin: germline.
Comment: In summary, the available evidence is currently insufficient to determine the role of this variant in disease. Therefore, it has been classified as a Variant of Uncertain Significance. Algorithms developed to predict the effect of sequence changes on RNA splicing suggest that this variant may create or strengthen a splice site, but this prediction has not been confirmed by published transcriptional studies. Algorithms developed to predict the effect of missense changes on protein structure and function are either unavailable or do not agree on the potential impact of this missense change (SIFT: "Deleterious"; PolyPhen-2: "Benign"; Align-GVGD: "Class C0"). This variant has not been reported in the literature in individuals with FARS2-related conditions. This variant is present in population databases (rs756084801, ExAC 0.009%). This sequence change replaces leucine with valine at codon 217 of the FARS2 protein (p.Leu217Val). The leucine residue is moderately conserved and there is a small physicochemical difference between leucine and valine.

NM_006567.5(FARS2):c.649C>G (p.Leu217Val)

Gene: FARS2 (phenylalanyl-tRNA synthetase 2, mitochondrial; plus strand). Cytogenetic location: 6p25.1.
Variant type: single nucleotide variant.
Coding change: c.649C>G on transcript NM_006567.5 (MANE Select); coding-DNA position 649, C replaced by G.
Protein change: p.Leu217Val; replaces leucine 217 with valine.
Molecular consequence: missense variant. On other transcripts: 5 prime UTR variant (2).
Genome position (GRCh38, 1-based): chr6:5,404,578, C>G. VCF-style: chr6-5404578-C-G. GRCh37 (hg19) VCF-style: chr6-5404811-C-G.
Other names: c.649C>G, p.Leu217Val (NM_001318872.2, NM_001374875.1, NM_001374876.1 and 5 more transcripts); c.-48C>G (NM_001375259.1, NM_001375260.1); short protein forms L217V.
Identifiers: ClinVar variation 846039 (VCV000846039.7), dbSNP rs756084801, ClinGen allele CA3623705.